The following is an entry in ClinVar:

NM_000051.4(ATM):c.4111G>T (p.Asp1371Tyr)

Gene: ATM (ATM serine/threonine kinase; plus strand). Cytogenetic location: 11q22.3.
Variant type: single nucleotide variant.
Coding change: c.4111G>T on transcript NM_000051.4 (MANE Select); coding-DNA position 4111, G replaced by T.
Protein change: p.Asp1371Tyr; replaces aspartic acid 1371 with tyrosine.
Molecular consequence: missense variant.
Genome position (GRCh38, 1-based): chr11:108,288,978, G>T. VCF-style: chr11-108288978-G-T. GRCh37 (hg19) VCF-style: chr11-108159705-G-T.
Other names: c.4111G>T, p.Asp1371Tyr (NM_001351834.2); short protein forms D1371Y.
Identifiers: ClinVar variation 2823692 (VCV002823692.3), dbSNP rs1565454823, ClinGen allele CA382529718.

ClinVar aggregate classification (germline): Uncertain significance (1 of 4 stars; one submission).

Conditions:
Ataxia-telangiectasia syndrome (AT). Also called: ATAXIA-TELANGIECTASIA, COMPLEMENTATION GROUP A; Ataxia telangiectasia (A-T); Cerebello-oculocutaneous telangiectasia; Immunodeficiency with ataxia telangiectasia; LOUIS-BAR SYNDROME; ATAXIA-TELANGIECTASIA, FRESNO VARIANT. Identifiers: Orphanet 100, MedGen C0004135, MONDO:0008840, OMIM 208900.

Submission:

Labcorp Genetics (formerly Invitae), Labcorp
Classification: Uncertain significance for Ataxia-telangiectasia syndrome. Last evaluated: 2022-12-23. Review status: criteria provided, single submitter. Criteria: Invitae Variant Classification Sherloc (09022015). Collection method: clinical testing. Allele origin: germline.
Comment: This sequence change replaces aspartic acid, which is acidic and polar, with tyrosine, which is neutral and polar, at codon 1371 of the ATM protein (p.Asp1371Tyr). This variant is not present in population databases (gnomAD no frequency). This variant has not been reported in the literature in individuals affected with ATM-related conditions. Algorithms developed to predict the effect of missense changes on protein structure and function are either unavailable or do not agree on the potential impact of this missense change (SIFT: "Deleterious"; PolyPhen-2: "Possibly Damaging"; Align-GVGD: "Class C0"). In summary, the available evidence is currently insufficient to determine the role of this variant in disease. Therefore, it has been classified as a Variant of Uncertain Significance.